The following is an entry in ClinVar:

ClinVar aggregate classification (germline): Likely benign (1 of 4 stars; one submission).

Submission:

CeGaT Center for Human Genetics Tuebingen
Classification: Likely benign. Last evaluated: 2026-07-01. Review status: criteria provided, single submitter. Criteria: CeGaT Center For Human Genetics Tuebingen Variant Classification Criteria Version 2. Collection method: clinical testing. Allele origin: germline. Affected: yes. Observed: 1 variant allele.
Comment: NSD1: PM2:Supporting, BP4, BP7

NM_022455.5(NSD1):c.7458G>A (p.Leu2486=)

Gene: NSD1 (nuclear receptor binding SET domain protein 1; plus strand). Cytogenetic location: 5q35.3.
Variant type: single nucleotide variant.
Coding change: c.7458G>A on transcript NM_022455.5 (MANE Select); coding-DNA position 7458, G replaced by A.
Protein change: p.Leu2486=; no amino-acid change (leucine 2486 retained).
Molecular consequence: synonymous variant.
Genome position (GRCh38, 1-based): chr5:177,294,826, G>A. VCF-style: chr5-177294826-G-A. GRCh37 (hg19) VCF-style: chr5-176721827-G-A.
Other names: c.6585G>A, p.Leu2195= (NM_001365684.2, NM_172349.5, NM_001409308.1); c.7458G>A, p.Leu2486= (NM_001409301.1, NM_001409302.1, NM_001409303.1); c.7038G>A, p.Leu2346= (NM_001409304.1); c.6705G>A, p.Leu2235= (NM_001409305.1); c.6696G>A, p.Leu2232= (NM_001409306.1, NM_001409307.1); c.6336G>A, p.Leu2112= (NM_001409309.1).
Identifiers: ClinVar variation 5038838 (VCV005038838.1).